The following is an entry in ClinVar:

ClinVar aggregate classification (germline): Uncertain significance (1 of 4 stars; one submission).

Conditions:
Gastrointestinal stromal tumor. Also called: Gastrointestinal stroma tumor; Gastrointestinal stromal tumor, somatic. Identifiers: Orphanet 44890, MedGen C0238198, MeSH D046152, MONDO:0011719, OMIM 606764, HP:0100723.

Submission:

Labcorp Genetics (formerly Invitae), Labcorp
Classification: Uncertain significance for Gastrointestinal stromal tumor. Last evaluated: 2022-03-16. Review status: criteria provided, single submitter. Criteria: Invitae Variant Classification Sherloc (09022015). Collection method: clinical testing. Allele origin: germline.
Comment: This variant is not present in population databases (gnomAD no frequency). This sequence change replaces leucine, which is neutral and non-polar, with arginine, which is basic and polar, at codon 781 of the PDGFRA protein (p.Leu781Arg). This variant has not been reported in the literature in individuals affected with PDGFRA-related conditions. In summary, the available evidence is currently insufficient to determine the role of this variant in disease. Therefore, it has been classified as a Variant of Uncertain Significance. Algorithms developed to predict the effect of missense changes on protein structure and function (SIFT, PolyPhen-2, Align-GVGD) all suggest that this variant is likely to be disruptive.

NM_006206.6(PDGFRA):c.2342T>G (p.Leu781Arg)

Gene: PDGFRA (platelet derived growth factor receptor alpha; plus strand). Cytogenetic location: 4q12.
Variant type: single nucleotide variant.
Coding change: c.2342T>G on transcript NM_006206.6 (MANE Select); coding-DNA position 2342, T replaced by G.
Protein change: p.Leu781Arg; replaces leucine 781 with arginine.
Molecular consequence: missense variant.
Genome position (GRCh38, 1-based): chr4:54,285,389, T>G. VCF-style: chr4-54285389-T-G. GRCh37 (hg19) VCF-style: chr4-55151556-T-G.
Other names: c.2417T>G, p.Leu806Arg (NM_001347828.2); c.2342T>G, p.Leu781Arg (NM_001347829.2); c.2381T>G, p.Leu794Arg (NM_001347830.2); short protein forms L781R, L794R, L806R.
Identifiers: ClinVar variation 2105454 (VCV002105454.4), dbSNP rs1724299939, ClinGen allele CA356894619.